The following is an entry in ClinVar:

NM_000179.3(MSH6):c.511G>A (p.Glu171Lys)

Gene: MSH6 (mutS homolog 6; plus strand). Cytogenetic location: 2p16.3.
Variant type: single nucleotide variant.
Coding change: c.511G>A on transcript NM_000179.3 (MANE Select); coding-DNA position 511, G replaced by A.
Protein change: p.Glu171Lys; replaces glutamic acid 171 with lysine.
Molecular consequence: missense variant. On other transcripts: 5 prime UTR variant (1), intron variant (2).
Genome position (GRCh38, 1-based): chr2:47,795,947, G>A. VCF-style: chr2-47795947-G-A. GRCh37 (hg19) VCF-style: chr2-48023086-G-A.
Other names: c.-392G>A (NM_001281494.2); c.-279-2664G>A (NM_001281493.2); c.238-2664G>A (NM_001281492.2); short protein forms E171K.
Identifiers: ClinVar variation 854939 (VCV000854939.13), dbSNP rs1558656518, ClinGen allele CA346738664.
Genomic context (GRCh38, chr2:47,795,947, plus strand): 5'-TTTCTAGGTTCAAAATCAAAGGAAGCCCAGAAGGGAGGTCATTTTTACAGTGCAAAGCCT[G>A]AAATACTGAGAGCAATGCAACGTGCAGATGAAGCCTTAAATAAAGACAAGATTAAGAGGC-3'
Protein context (NP_000170.1, residues 161-181): KGGHFYSAKP[Glu171Lys]ILRAMQRADE

ClinVar aggregate classification (germline): Uncertain significance. Review status: criteria provided, multiple submitters, no conflicts (2 of 4 stars). 3 submissions from 3 submitters: Uncertain significance (3). Last evaluated 2025-10-02.

Conditions:
Hereditary nonpolyposis colorectal neoplasms. Identifiers: MedGen C0009405, MeSH D003123.
Hereditary cancer-predisposing syndrome. Also called: Neoplastic Syndromes, Hereditary; Hereditary Cancer Syndrome; Tumor predisposition; Hereditary neoplastic syndrome. Identifiers: Orphanet 140162, MedGen C0027672, MeSH D009386, MONDO:0015356.
Endometrial carcinoma. Also called: Endometrial carcinoma, somatic. Identifiers: MedGen C0476089, MONDO:0002447, OMIM 608089, HP:0012114.

Allele frequency attached by ClinVar (database versions not stated): gnomAD exomes below 0.00001.

Submissions (3):

Labcorp Genetics (formerly Invitae), Labcorp
Classification: Uncertain significance for Hereditary nonpolyposis colorectal neoplasms. Last evaluated: 2025-10-02. Review status: criteria provided, single submitter. Criteria: Invitae Variant Classification Sherloc (09022015). Collection method: clinical testing. Allele origin: germline.
Comment: This sequence change replaces glutamic acid, which is acidic and polar, with lysine, which is basic and polar, at codon 171 of the MSH6 protein (p.Glu171Lys). This variant is not present in population databases (gnomAD no frequency). This variant has not been reported in the literature in individuals affected with MSH6-related conditions. ClinVar contains an entry for this variant (Variation ID: 854939). Invitae Evidence Modeling of protein sequence and biophysical properties (such as structural, functional, and spatial information, amino acid conservation, physicochemical variation, residue mobility, and thermodynamic stability) indicates that this missense variant is not expected to disrupt MSH6 protein function with a negative predictive value of 95%. In summary, the available evidence is currently insufficient to determine the role of this variant in disease. Therefore, it has been classified as a Variant of Uncertain Significance.

Baylor Genetics
Classification: Uncertain significance for Endometrial carcinoma. Last evaluated: 2024-02-25. Review status: criteria provided, single submitter. Criteria: ACMG Guidelines, 2015. Collection method: clinical testing. Allele origin: unknown.

Ambry Genetics
Classification: Uncertain significance for Hereditary cancer-predisposing syndrome. Last evaluated: 2020-03-03. Review status: criteria provided, single submitter. Criteria: Ambry Variant Classification Scheme 2023. Collection method: clinical testing. Allele origin: germline.
Comment: The p.E171K variant (also known as c.511G>A), located in coding exon 3 of the MSH6 gene, results from a G to A substitution at nucleotide position 511. The glutamic acid at codon 171 is replaced by lysine, an amino acid with similar properties. This amino acid position is well conserved in available vertebrate species. In addition, the in silico prediction for this alteration is inconclusive. Since supporting evidence is limited at this time, the clinical significance of this alteration remains unclear.